The following is an entry in ClinVar:

ClinVar aggregate classification (germline): Pathogenic (1 of 4 stars; one submission).

Conditions:
WT1-related disorder. Also called: WT1-related disorders. Identifiers: MedGen CN377814.

Submission:

PreventionGenetics, part of Exact Sciences
Classification: Pathogenic for WT1-related condition. Last evaluated: 2026-09-16. Review status: criteria provided, single submitter. Criteria: ACMG Guidelines, 2015. Collection method: clinical testing. Allele origin: germline.
Comment: The WT1 c.440dupG variant is predicted to result in a frameshift and premature protein termination (p.Gly148Argfs*51). To our knowledge, this variant has not been reported in the literature or in a large population database (gnomAD), indicating this variant is rare. Frameshift variants in WT1 are expected to be pathogenic. This variant is interpreted as pathogenic.

NM_024426.6(WT1):c.455dup (p.Gly153fs)

Genes: WT1 (WT1 transcription factor; minus strand), LOC107982234 (WT1/WT1-AS bi-directional promoter region; plus strand). Cytogenetic location: 11p13.
Variant type: Duplication.
Coding change: c.455dup on transcript NM_024426.6 (MANE Select); coding-DNA position 455, one base duplicated (G; older notation c.455dupG).
Protein change: p.Gly153fs; shifts the reading frame from glycine 153.
Molecular consequence: frameshift variant. On other transcripts: non-coding transcript variant (2).
Genome position (GRCh38, 1-based): chr11:32,434,906, C duplicated on the plus strand (G on the coding strand, the reverse complement: WT1 is on the minus strand); the first of 4 consecutive C bases (chr11:32,434,906-32,434,909); duplicating any one gives the same sequence. VCF-style (leftmost placement, unchanged base first): chr11-32434905-G-GC. GRCh37 (hg19) VCF-style: chr11-32456451-G-GC.
Other names: c.455dup, p.Gly153fs (NM_000378.6, NM_001407044.1, NM_001407045.1 and 6 more transcripts); c.236dup, p.Gly80fs (NM_001429031.1, NM_001429032.1, NM_001429033.1 and 1 more transcripts); short protein forms G153fs, G80fs.
Identifiers: ClinVar variation 4993136 (VCV004993136.1).